The following is an entry in ClinVar:

ClinVar aggregate classification (germline): Uncertain significance (1 of 4 stars; one submission).

Allele frequency attached by ClinVar (database versions not stated): gnomAD 0.00001; TOPMed 0.00001.
gnomAD v4.1: 2 of 1,608,542 alleles (0.00012%); highest among the groups gnomAD compares: African/African-American, 0.0027%; no homozygotes.

Submission:

Labcorp Genetics (formerly Invitae), Labcorp
Classification: Uncertain significance. Last evaluated: 2022-04-18. Review status: criteria provided, single submitter. Criteria: Invitae Variant Classification Sherloc (09022015). Collection method: clinical testing. Allele origin: germline.
Comment: In summary, the available evidence is currently insufficient to determine the role of this variant in disease. Therefore, it has been classified as a Variant of Uncertain Significance. Algorithms developed to predict the effect of missense changes on protein structure and function are either unavailable or do not agree on the potential impact of this missense change (SIFT: "Tolerated"; PolyPhen-2: "Possibly Damaging"; Align-GVGD: "Class C0"). This variant has not been reported in the literature in individuals affected with DMXL2-related conditions. This variant is not present in population databases (gnomAD no frequency). This sequence change replaces glutamine, which is neutral and polar, with lysine, which is basic and polar, at codon 2292 of the DMXL2 protein (p.Gln2292Lys).

NM_001378457.1(DMXL2):c.6874C>A (p.Gln2292Lys)

Gene: DMXL2 (Dmx like 2; minus strand). Cytogenetic location: 15q21.2.
Variant type: single nucleotide variant.
Coding change: c.6874C>A on transcript NM_001378457.1 (MANE Select); coding-DNA position 6874, C replaced by A.
Protein change: p.Gln2292Lys; replaces glutamine 2292 with lysine.
Molecular consequence: missense variant. On other transcripts: non-coding transcript variant (2).
Genome position (GRCh38, 1-based): chr15:51,476,679, G>T on the plus strand (C>A on the coding strand, the complement: DMXL2 is on the minus strand). VCF-style: chr15-51476679-G-T. GRCh37 (hg19) VCF-style: chr15-51768876-G-T.
Other names: c.6874C>A, p.Gln2292Lys (NM_001174116.3, NM_001378459.1, NM_001378461.1 and 1 more transcripts); c.4963C>A, p.Gln1655Lys (NM_001174117.3); c.6871C>A, p.Gln2291Lys (NM_001378458.1, NM_001378462.1, NM_015263.5); c.4852C>A, p.Gln1618Lys (NM_001378460.1); c.6631C>A, p.Gln2211Lys (NM_001378464.1); short protein forms Q1655K, Q2211K, Q2291K, Q2292K, Q1618K.
Identifiers: ClinVar variation 2127657 (VCV002127657.2), dbSNP rs1416496105, ClinGen allele CA392441602.